The following is an entry in ClinVar:

ClinVar aggregate classification (germline): Uncertain significance (1 of 4 stars; one submission).

Conditions:
Paroxysmal nonkinesigenic dyskinesia. Also called: Paroxysmal non-kinesigenic dyskinesia. Identifiers: Orphanet 98810, MedGen C1869117, MONDO:0700088.

Submission:

Labcorp Genetics (formerly Invitae), Labcorp
Classification: Uncertain significance for Paroxysmal nonkinesigenic dyskinesia. Last evaluated: 2022-08-09. Review status: criteria provided, single submitter. Criteria: Invitae Variant Classification Sherloc (09022015). Collection method: clinical testing. Allele origin: germline.
Comment: In summary, the available evidence is currently insufficient to determine the role of this variant in disease. Therefore, it has been classified as a Variant of Uncertain Significance. Algorithms developed to predict the effect of missense changes on protein structure and function are either unavailable or do not agree on the potential impact of this missense change (SIFT: "Deleterious"; PolyPhen-2: "Possibly Damaging"; Align-GVGD: "Class C0"). ClinVar contains an entry for this variant (Variation ID: 468633). This variant has not been reported in the literature in individuals affected with PNKD-related conditions. This variant is not present in population databases (gnomAD no frequency). This sequence change replaces aspartic acid, which is acidic and polar, with asparagine, which is neutral and polar, at codon 176 of the PNKD protein (p.Asp176Asn).

NM_015488.5(PNKD):c.526G>A (p.Asp176Asn)

Genes: CATIP-AS2 (CATIP antisense RNA 2; minus strand), PNKD (PNKD metallo-beta-lactamase domain containing; plus strand). Cytogenetic location: 2q35.
Variant type: single nucleotide variant.
Coding change: c.526G>A on transcript NM_015488.5 (MANE Select); coding-DNA position 526, G replaced by A.
Protein change: p.Asp176Asn; replaces aspartic acid 176 with asparagine.
Molecular consequence: missense variant.
Genome position (GRCh38, 1-based): chr2:218,341,535, G>A. VCF-style: chr2-218341535-G-A. GRCh37 (hg19) VCF-style: chr2-219206258-G-A.
Other names: c.454G>A, p.Asp152Asn (NM_022572.5); short protein forms D176N, D152N.
Identifiers: ClinVar variation 468633 (VCV000468633.10), dbSNP rs1553674143, ClinGen allele CA350540258.